The following is an entry in ClinVar:

ClinVar aggregate classification (germline): Uncertain significance. Review status: criteria provided, multiple submitters, no conflicts (2 of 4 stars). 3 submissions from 3 submitters: Uncertain significance (3). Last evaluated 2022-08-25.

Conditions:
Inborn genetic diseases. Identifiers: MedGen C0950123, MeSH D030342.
Pseudohypoaldosteronism type 2C (PHA2C). Also called: Pseudohypoaldosteronism Type IIC. Identifiers: Orphanet 757, Orphanet 88940, MedGen C1840391, MONDO:0013778, OMIM 614492.
Neuropathy, hereditary sensory and autonomic, type 2A (HSAN2A). Also called: MORVAN DISEASE; NEUROPATHY, CONGENITAL SENSORY; NEUROPATHY, HEREDITARY SENSORY RADICULAR, AUTOSOMAL RECESSIVE; NEUROPATHY, HEREDITARY SENSORY, TYPE IIA; NEUROPATHY, PROGRESSIVE SENSORY, OF CHILDREN; WNK1-Related HSAN2 (HSAN2A). Identifiers: Orphanet 970, MedGen C2752089, MONDO:0024309, OMIM 201300.

Allele frequency attached by ClinVar (database versions not stated): ExAC 0.00001; gnomAD 0.00002; TOPMed 0.00002.
gnomAD v4.1: 36 of 1,613,740 alleles (0.0022%); highest among the groups gnomAD compares: South Asian, 0.0033%; no homozygotes.

Submissions (3):

Labcorp Genetics (formerly Invitae), Labcorp
Classification: Uncertain significance for Neuropathy, hereditary sensory and autonomic, type 2A; Pseudohypoaldosteronism type 2C. Last evaluated: 2022-08-25. Review status: criteria provided, single submitter. Criteria: Invitae Variant Classification Sherloc (09022015). Collection method: clinical testing. Allele origin: germline.
Comment: Advanced modeling of protein sequence and biophysical properties (such as structural, functional, and spatial information, amino acid conservation, physicochemical variation, residue mobility, and thermodynamic stability) performed at Invitae indicates that this missense variant is not expected to disrupt WNK1 protein function. In summary, the available evidence is currently insufficient to determine the role of this variant in disease. Therefore, it has been classified as a Variant of Uncertain Significance. ClinVar contains an entry for this variant (Variation ID: 834931). This variant has not been reported in the literature in individuals affected with WNK1-related conditions. This variant is present in population databases (rs760125099, gnomAD 0.01%). This sequence change replaces arginine, which is basic and polar, with cysteine, which is neutral and slightly polar, at codon 1024 of the WNK1 protein (p.Arg1024Cys).

Ambry Genetics
Classification: Uncertain significance for Inborn genetic diseases. Last evaluated: 2020-03-18. Review status: criteria provided, single submitter. Criteria: Ambry Variant Classification Scheme 2023. Collection method: clinical testing. Allele origin: germline.
Comment: The p.R1024C variant (also known as c.3070C>T), located in coding exon 10 of the WNK1 gene, results from a C to T substitution at nucleotide position 3070. The arginine at codon 1024 is replaced by cysteine, an amino acid with highly dissimilar properties. This amino acid position is poorly conserved in available vertebrate species. In addition, this alteration is predicted to be tolerated by in silico analysis. Since supporting evidence is limited at this time, the clinical significance of this alteration remains unclear.

Breakthrough Genomics
Classification: Uncertain significance. Review status: criteria provided, single submitter. Criteria: ACMG Guidelines, 2015. Collection method: not provided. Allele origin: germline. Inheritance: Autosomal recessive inheritance. Affected: yes.

NM_213655.5(WNK1):c.3070C>T (p.Arg1024Cys)

Gene: WNK1 (WNK lysine deficient protein kinase 1; plus strand). Cytogenetic location: 12p13.33.
Variant type: single nucleotide variant.
Coding change: c.3070C>T on transcript NM_213655.5 (MANE Plus Clinical); coding-DNA position 3070, C replaced by T.
Protein change: p.Arg1024Cys; replaces arginine 1024 with cysteine.
Molecular consequence: missense variant. On other transcripts: intron variant (2).
Genome position (GRCh38, 1-based): chr12:868,541, C>T. VCF-style: chr12-868541-C-T. GRCh37 (hg19) VCF-style: chr12-977707-C-T.
Other names: c.2815C>T, p.Arg939Cys (NM_001184985.2); c.2140-2724C>T (NM_018979.4, NM_014823.3); short protein forms R1024C, R939C.
Identifiers: ClinVar variation 834931 (VCV000834931.12), dbSNP rs760125099, ClinGen allele CA6382296.